The following is an entry in ClinVar:

ClinVar aggregate classification (germline): Uncertain significance (1 of 4 stars; one submission).

Conditions:
Autosomal dominant limb-girdle muscular dystrophy type 1D (DNAJB6) (LGMDD1). Also called: MUSCULAR DYSTROPHY, LIMB-GIRDLE, TYPE 1D; Autosomal dominant limb-girdle muscular dystrophy type 1D; Muscular dystrophy, limb-girdle, autosomal dominant 1; MUSCULAR DYSTROPHY, AUTOSOMAL DOMINANT, WITH RIMMED VACUOLES. Identifiers: Orphanet 34516, MedGen C4721885, MONDO:0021018, OMIM 603511.

Submission:

Labcorp Genetics (formerly Invitae), Labcorp
Classification: Uncertain significance for Autosomal dominant limb-girdle muscular dystrophy type 1D (DNAJB6). Last evaluated: 2022-12-22. Review status: criteria provided, single submitter. Criteria: Invitae Variant Classification Sherloc (09022015). Collection method: clinical testing. Allele origin: germline.
Comment: This sequence change disrupts the translational stop signal of the DNAJB6 mRNA. It is expected to extend the length of the DNAJB6 protein by 123 additional amino acid residues. This variant is not present in population databases (gnomAD no frequency). This variant has not been reported in the literature in individuals affected with DNAJB6-related conditions. In summary, the available evidence is currently insufficient to determine the role of this variant in disease. Therefore, it has been classified as a Variant of Uncertain Significance.

NM_058246.4(DNAJB6):c.980A>G (p.Ter327Trp)

Gene: DNAJB6 (DnaJ heat shock protein family (Hsp40) member B6; plus strand). Cytogenetic location: 7q36.3.
Variant type: single nucleotide variant.
Coding change: c.980A>G on transcript NM_058246.4 (MANE Select); coding-DNA position 980, A replaced by G.
Protein change: p.Ter327Trp.
Molecular consequence: stop lost.
Genome position (GRCh38, 1-based): chr7:157,416,097, A>G. VCF-style: chr7-157416097-A-G. GRCh37 (hg19) VCF-style: chr7-157208791-A-G.
Other names: c.635A>G, p.Ter212Trp (NM_001363676.1).
Identifiers: ClinVar variation 2820856 (VCV002820856.3), dbSNP rs2536231080, ClinGen allele CA370167753.